The following is an entry in ClinVar:

NM_000059.4(BRCA2):c.8488-15A>G

Gene: BRCA2 (BRCA2 DNA repair associated; plus strand). Cytogenetic location: 13q13.1.
Variant type: single nucleotide variant.
Coding change: c.8488-15A>G on transcript NM_000059.4 (MANE Select); 15 bases into the intron before coding-DNA position 8488, A replaced by G.
Molecular consequence: intron variant.
Genome position (GRCh38, 1-based): chr13:32,370,941, A>G. VCF-style: chr13-32370941-A-G. GRCh37 (hg19) VCF-style: chr13-32945078-A-G.
Identifiers: ClinVar variation 1049605 (VCV001049605.11), dbSNP rs775192142, ClinGen allele CA6941248.

ClinVar aggregate classification (germline): Likely benign. Review status: criteria provided, multiple submitters, no conflicts (2 of 4 stars). 3 submissions from 3 submitters: Likely benign (2). 1 of the submissions does not count toward it. Last evaluated 2023-12-13.

Conditions:
Breast-ovarian cancer, familial, susceptibility to, 2 (BROVCA2). Also called: BRCA2 Hereditary Breast and Ovarian Cancer. Identifiers: Orphanet 145, MedGen C2675520, MONDO:0012933, OMIM 612555. Disease mechanism: loss of function.
Carcinoma of colon (CRC). Also called: Colonic carcinoma; Colon carcinoma. Identifiers: MedGen C0699790, MONDO:0002032.
Hereditary breast ovarian cancer syndrome. Also called: Breast and ovarian cancer; Hereditary breast and ovarian cancer syndrome; BRCA1- and BRCA2-Associated Hereditary Breast and Ovarian Cancer; Hereditary breast and ovarian cancer; Hereditary breast and ovarian cancer syndrome (HBOC); Hereditary breast and/or ovarian cancer syndrome. Identifiers: Orphanet 145, MedGen C0677776, MeSH D061325, MONDO:0003582. Disease mechanism: loss of function.

Allele frequency attached by ClinVar (database versions not stated): gnomAD exomes below 0.00001; ExAC 0.00001.
gnomAD v4.1: 1 of 1,613,982 alleles (0.000062%); highest among the groups gnomAD compares: South Asian, 0.0011%; no homozygotes.

Submissions (3):

All of Us Research Program, National Institutes of Health
Classification: Likely benign for Breast-ovarian cancer, familial, susceptibility to, 2. Last evaluated: 2023-12-13. Review status: criteria provided, single submitter. Criteria: ACMG Guidelines, 2015. Collection method: clinical testing. Allele origin: germline. Inheritance: Autosomal dominant inheritance. Observed: 1 variant allele, 1 heterozygote.
Comment: This study involves interpretation of variants in research participants for the purpose of population health screening. Participant phenotype was not available at the time of variant classification. Additional details can be found in publication PMID: 35346344, PMCID: PMC8962531

Labcorp Genetics (formerly Invitae), Labcorp
Classification: Likely benign for Hereditary breast ovarian cancer syndrome. Last evaluated: 2019-01-26. Review status: criteria provided, single submitter. Criteria: Invitae Variant Classification Sherloc (09022015). Collection method: clinical testing. Allele origin: germline.

Department of Pathology and Laboratory Medicine, Sinai Health System
Classification: Uncertain significance for Carcinoma of colon. Review status: no assertion criteria provided. Collection method: clinical testing. Allele origin: unknown. Affected: yes. Study: The Canadian Open Genetics Repository (COGR). Not counted in ClinVar's aggregate classification.
Comment: The BRCA2 c.8488-15A>G variant was not identified in the literature nor was it identified in the ClinVar, Cosmic, MutDB, LOVD 3.0, UMD-LSDB, BIC Database, ARUP Laboratories, Zhejiang Colon Cancer Database, databases. The variant was also identified in databases. The variant was identified in control databases in 1 of 245902 chromosomes at a frequency of 0.000004 in the following populations: South Asian in 1 of 30782 chromosomes (freq. 0.00003), increasing the likelihood that this may be a low frequency variant in certain populations of origin (Genome Aggregation Consortium Feb 27, 2017). The variant occurs outside of the splicing consensus sequence and 1 of 5 in silico or computational prediction software programs (SpliceSiteFinder, MaxEntScan, NNSPLICE, GeneSplicer, HumanSpliceFinder) predict a greater than 10% difference in splicing; this is not very predictive of pathogenicity. In summary, based on the above information the clinical significance of this variant cannot be determined with certainty at this time. This variant is classified as a variant of uncertain significance.